The following is an entry in ClinVar:

NM_001206927.2(DNAH8):c.11476G>T (p.Val3826Phe)

Genes: DNAH8 (dynein axonemal heavy chain 8; plus strand), DNAH8-AS1 (DNAH8 antisense RNA 1; minus strand). Cytogenetic location: 6p21.2.
Variant type: single nucleotide variant.
Coding change: c.11476G>T on transcript NM_001206927.2 (MANE Select); coding-DNA position 11476, G replaced by T.
Protein change: p.Val3826Phe; replaces valine 3826 with phenylalanine.
Molecular consequence: missense variant.
Genome position (GRCh38, 1-based): chr6:38,935,610, G>T. VCF-style: chr6-38935610-G-T. GRCh37 (hg19) VCF-style: chr6-38903386-G-T.
Other names: c.10825G>T, p.Val3609Phe (NM_001371.4); short protein forms V3826F, V3609F.
Identifiers: ClinVar variation 2836854 (VCV002836854.3), dbSNP rs1782885997, ClinGen allele CA364019361.

ClinVar aggregate classification (germline): Uncertain significance (1 of 4 stars; one submission).

Conditions:
Primary ciliary dyskinesia. Also called: Ciliary dyskinesia. Identifiers: Orphanet 244, MedGen C0008780, MONDO:0016575, HP:0012265.

gnomAD v4.1: 1 of 1,612,616 alleles (0.000062%); highest among the groups gnomAD compares: Non-Finnish European, 0.000085%; no homozygotes.

Submission:

Labcorp Genetics (formerly Invitae), Labcorp
Classification: Uncertain significance for Primary ciliary dyskinesia. Last evaluated: 2023-02-14. Review status: criteria provided, single submitter. Criteria: Invitae Variant Classification Sherloc (09022015). Collection method: clinical testing. Allele origin: germline.
Comment: This sequence change replaces valine, which is neutral and non-polar, with phenylalanine, which is neutral and non-polar, at codon 3826 of the DNAH8 protein (p.Val3826Phe). In summary, the available evidence is currently insufficient to determine the role of this variant in disease. Therefore, it has been classified as a Variant of Uncertain Significance. Advanced modeling of protein sequence and biophysical properties (such as structural, functional, and spatial information, amino acid conservation, physicochemical variation, residue mobility, and thermodynamic stability) performed at Invitae indicates that this missense variant is expected to disrupt DNAH8 protein function. This variant has not been reported in the literature in individuals affected with DNAH8-related conditions. This variant is not present in population databases (gnomAD no frequency).